The following is an entry in ClinVar:

ClinVar aggregate classification (germline): Uncertain significance (1 of 4 stars; one submission).

Submission:

GeneDx
Classification: Uncertain significance. Last evaluated: 2024-03-20. Review status: criteria provided, single submitter. Criteria: GeneDx Variant Classification Process June 2021. Collection method: clinical testing. Allele origin: germline. Affected: yes.
Comment: Not observed at significant frequency in large population cohorts (gnomAD); In silico analysis supports that this missense variant has a deleterious effect on protein structure/function; Has not been previously published as pathogenic or benign to our knowledge

NM_006158.5(NEFL):c.1339G>T (p.Val447Phe)

Gene: NEFL (neurofilament light chain; minus strand). Cytogenetic location: 8p21.2.
Variant type: single nucleotide variant.
Coding change: c.1339G>T on transcript NM_006158.5 (MANE Select); coding-DNA position 1339, G replaced by T.
Protein change: p.Val447Phe; replaces valine 447 with phenylalanine.
Molecular consequence: missense variant.
Genome position (GRCh38, 1-based): chr8:24,953,626, C>A on the plus strand (G>T on the coding strand, the complement: NEFL is on the minus strand). VCF-style: chr8-24953626-C-A. GRCh37 (hg19) VCF-style: chr8-24811140-C-A.
Other names: short protein forms V447F.
Identifiers: ClinVar variation 3371242 (VCV003371242.1).